The following is an entry in ClinVar:

ClinVar aggregate classification (germline): Conflicting classifications of pathogenicity. Review status: criteria provided, conflicting classifications (1 of 4 stars). 3 submissions from 3 submitters: Uncertain significance (2); Likely benign (1). Last evaluated 2024-10-22.

Conditions:
Hereditary cancer-predisposing syndrome. Also called: Hereditary Cancer Syndrome; Neoplastic Syndromes, Hereditary; Tumor predisposition; Hereditary neoplastic syndrome. Identifiers: Orphanet 140162, MedGen C0027672, MeSH D009386, MONDO:0015356.
Hereditary breast ovarian cancer syndrome. Also called: Breast and ovarian cancer; Hereditary breast and ovarian cancer; Hereditary breast and/or ovarian cancer syndrome; BRCA1- and BRCA2-Associated Hereditary Breast and Ovarian Cancer; Hereditary breast and ovarian cancer syndrome (HBOC); Hereditary breast and ovarian cancer syndrome. Identifiers: Orphanet 145, MedGen C0677776, MeSH D061325, MONDO:0003582. Disease mechanism: loss of function.

Submissions (3):

Labcorp Genetics (formerly Invitae), Labcorp
Classification: Uncertain significance for Hereditary breast ovarian cancer syndrome. Last evaluated: 2024-10-22. Review status: criteria provided, single submitter. Criteria: Invitae Variant Classification Sherloc (09022015). Collection method: clinical testing. Allele origin: germline.
Comment: This sequence change replaces serine, which is neutral and polar, with proline, which is neutral and non-polar, at codon 1662 of the BRCA2 protein (p.Ser1662Pro). This variant is not present in population databases (gnomAD no frequency). This variant has not been reported in the literature in individuals affected with BRCA2-related conditions. ClinVar contains an entry for this variant (Variation ID: 1744545). Invitae Evidence Modeling of protein sequence and biophysical properties (such as structural, functional, and spatial information, amino acid conservation, physicochemical variation, residue mobility, and thermodynamic stability) indicates that this missense variant is not expected to disrupt BRCA2 protein function with a negative predictive value of 95%. In summary, the available evidence is currently insufficient to determine the role of this variant in disease. Therefore, it has been classified as a Variant of Uncertain Significance.

University of Washington Department of Laboratory Medicine, University of Washington
Classification: Likely benign for Hereditary cancer-predisposing syndrome. Last evaluated: 2023-03-23. Review status: criteria provided, single submitter. Criteria: Dines et al. (Genet Med. 2020). Collection method: curation. Allele origin: germline.
Comment: Missense variant in a coldspot region where missense variants are very unlikely to be pathogenic (PMID:31911673).

BRCA2 exon 11 coldspot. Reclassification based on statistical prior probability.

Ambry Genetics
Classification: Uncertain significance for Hereditary cancer-predisposing syndrome. Last evaluated: 2022-08-01. Review status: criteria provided, single submitter. Criteria: Ambry Variant Classification Scheme 2023. Collection method: clinical testing. Allele origin: germline.
Comment: The p.S1662P variant (also known as c.4984T>C), located in coding exon 10 of the BRCA2 gene, results from a T to C substitution at nucleotide position 4984. The serine at codon 1662 is replaced by proline, an amino acid with similar properties. This amino acid position is conserved. In addition, this alteration is predicted to be tolerated by in silico analysis. Since supporting evidence is limited at this time, the clinical significance of this alteration remains unclear.

NM_000059.4(BRCA2):c.4984T>C (p.Ser1662Pro)

Gene: BRCA2 (BRCA2 DNA repair associated; plus strand). Cytogenetic location: 13q13.1.
Variant type: single nucleotide variant.
Coding change: c.4984T>C on transcript NM_000059.4 (MANE Select); coding-DNA position 4984, T replaced by C.
Protein change: p.Ser1662Pro; replaces serine 1662 with proline.
Molecular consequence: missense variant.
Genome position (GRCh38, 1-based): chr13:32,339,339, T>C. VCF-style: chr13-32339339-T-C. GRCh37 (hg19) VCF-style: chr13-32913476-T-C.
Other names: c.4984T>C, p.Ser1662Pro (NM_001406719.1, NM_001406720.1); short protein forms S1662P.
Identifiers: ClinVar variation 1744545 (VCV001744545.6), dbSNP rs2137512426, ClinGen allele CA387783872.